The following is an entry in ClinVar:

ClinVar aggregate classification (germline): Uncertain significance (1 of 4 stars; one submission).

Conditions:
Ehlers-Danlos syndrome, classic type, 1 (EDSCL1). Also called: EHLERS-DANLOS SYNDROME, GRAVIS TYPE; EHLERS-DANLOS SYNDROME, SEVERE CLASSIC TYPE; Ehlers-Danlos syndrome, type 1; Ehlers-Danlos Syndrome, Classic Type, COL5A1-Related; EDS I. Identifiers: MedGen C0268335, MONDO:0019567, OMIM 130000.

Submission:

Labcorp Genetics (formerly Invitae), Labcorp
Classification: Uncertain significance for Ehlers-Danlos syndrome, classic type, 1. Last evaluated: 2024-01-13. Review status: criteria provided, single submitter. Criteria: Invitae Variant Classification Sherloc (09022015). Collection method: clinical testing. Allele origin: germline.
Comment: This sequence change replaces aspartic acid, which is acidic and polar, with asparagine, which is neutral and polar, at codon 1246 of the COL5A2 protein (p.Asp1246Asn). This variant is not present in population databases (gnomAD no frequency). This variant has not been reported in the literature in individuals affected with COL5A2-related conditions. Advanced modeling of protein sequence and biophysical properties (such as structural, functional, and spatial information, amino acid conservation, physicochemical variation, residue mobility, and thermodynamic stability) performed at Invitae indicates that this missense variant is not expected to disrupt COL5A2 protein function with a negative predictive value of 80%. In summary, the available evidence is currently insufficient to determine the role of this variant in disease. Therefore, it has been classified as a Variant of Uncertain Significance.

NM_000393.5(COL5A2):c.3736G>A (p.Asp1246Asn)

Gene: COL5A2 (collagen type V alpha 2 chain; minus strand). Cytogenetic location: 2q32.2.
Variant type: single nucleotide variant.
Coding change: c.3736G>A on transcript NM_000393.5 (MANE Select); coding-DNA position 3736, G replaced by A.
Protein change: p.Asp1246Asn; replaces aspartic acid 1246 with asparagine.
Molecular consequence: missense variant.
Genome position (GRCh38, 1-based): chr2:189,039,461, C>T on the plus strand (G>A on the coding strand, the complement: COL5A2 is on the minus strand). VCF-style: chr2-189039461-C-T. GRCh37 (hg19) VCF-style: chr2-189904187-C-T.
Other names: short protein forms D1246N.
Identifiers: ClinVar variation 2791986 (VCV002791986.3), dbSNP rs2469221515, ClinGen allele CA349857915.
Genomic context (GRCh38, chr2:189,039,461, plus strand): 5'-GGTCCGTTTTGTTTTTGTCATCAGGAGCCGCCTGATCTTCAGTAAACTCAGGAAGTGGAT[C>T]TGGCATGCTTTCATCATAGTGCCCCATGATATCCCCAAGAGCAGCTGTAAGGTGGCCAGG-3'
Protein context (NP_000384.2, residues 1236-1256): IMGHYDESMP[Asp1246Asn]PLPEFTEDQA